The following is an entry in ClinVar:

NM_024675.4(PALB2):c.1106T>C (p.Leu369Pro)

Gene: PALB2 (partner and localizer of BRCA2; minus strand). Cytogenetic location: 16p12.2.
Variant type: single nucleotide variant.
Coding change: c.1106T>C on transcript NM_024675.4 (MANE Select); coding-DNA position 1106, T replaced by C.
Protein change: p.Leu369Pro; replaces leucine 369 with proline.
Molecular consequence: missense variant.
Genome position (GRCh38, 1-based): chr16:23,635,440, A>G on the plus strand (T>C on the coding strand, the complement: PALB2 is on the minus strand). VCF-style: chr16-23635440-A-G. GRCh37 (hg19) VCF-style: chr16-23646761-A-G.
Other names: c.1106T>C (NM_024675.3); short protein forms L369P.
Identifiers: ClinVar variation 1008162 (VCV001008162.10), dbSNP rs1966993516, ClinGen allele CA395133816.

ClinVar aggregate classification (germline): Uncertain significance. Review status: criteria provided, multiple submitters, no conflicts (2 of 4 stars). 2 submissions from 2 submitters: Uncertain significance (2). Last evaluated 2025-05-25.

Conditions:
Hereditary cancer-predisposing syndrome. Also called: Tumor predisposition; Hereditary neoplastic syndrome; Neoplastic Syndromes, Hereditary; Hereditary Cancer Syndrome. Identifiers: Orphanet 140162, MedGen C0027672, MeSH D009386, MONDO:0015356.
Familial cancer of breast. Also called: BREAST CANCER, FAMILIAL; Hereditary breast cancer; hereditary breast carcinoma. Identifiers: Orphanet 227535, MedGen C0346153, MONDO:0016419, OMIM 114480. Disease mechanism: loss of function.

Submissions (2):

Ambry Genetics
Classification: Uncertain significance for Hereditary cancer-predisposing syndrome. Last evaluated: 2025-05-25. Review status: criteria provided, single submitter. Criteria: Ambry Variant Classification Scheme 2023. Collection method: clinical testing. Allele origin: germline.
Comment: The p.L369P variant (also known as c.1106T>C), located in coding exon 4 of the PALB2 gene, results from a T to C substitution at nucleotide position 1106. The leucine at codon 369 is replaced by proline, an amino acid with similar properties. This amino acid position is conserved. In addition, this alteration is predicted to be tolerated by in silico analysis. Based on the available evidence, the clinical significance of this variant remains unclear.

Labcorp Genetics (formerly Invitae), Labcorp
Classification: Uncertain significance for Familial cancer of breast. Last evaluated: 2020-06-06. Review status: criteria provided, single submitter. Criteria: Invitae Variant Classification Sherloc (09022015). Collection method: clinical testing. Allele origin: germline.
Comment: This variant has not been reported in the literature in individuals with PALB2-related conditions. Algorithms developed to predict the effect of missense changes on protein structure and function (SIFT, PolyPhen-2, Align-GVGD) all suggest that this variant is likely to be tolerated, but these predictions have not been confirmed by published functional studies and their clinical significance is uncertain. In summary, the available evidence is currently insufficient to determine the role of this variant in disease. Therefore, it has been classified as a Variant of Uncertain Significance. This variant is not present in population databases (ExAC no frequency). This sequence change replaces leucine with proline at codon 369 of the PALB2 protein (p.Leu369Pro). The leucine residue is highly conserved and there is a moderate physicochemical difference between leucine and proline.